The following is an entry in ClinVar:

ClinVar aggregate classification (germline): Uncertain significance (1 of 4 stars; one submission).

Allele frequency attached by ClinVar (database versions not stated): gnomAD exomes below 0.00001; TOPMed 0.00001.
gnomAD v4.1: 2 of 1,614,170 alleles (0.00012%); highest among the groups gnomAD compares: Admixed American, 0.0017%; no homozygotes.

Submission:

Labcorp Genetics (formerly Invitae), Labcorp
Classification: Uncertain significance. Last evaluated: 2024-02-24. Review status: criteria provided, single submitter. Criteria: Invitae Variant Classification Sherloc (09022015). Collection method: clinical testing. Allele origin: germline.
Comment: This sequence change replaces glutamic acid, which is acidic and polar, with aspartic acid, which is acidic and polar, at codon 29 of the STAMBP protein (p.Glu29Asp). This variant is not present in population databases (gnomAD no frequency). This variant has not been reported in the literature in individuals affected with STAMBP-related conditions. ClinVar contains an entry for this variant (Variation ID: 1472454). Advanced modeling of protein sequence and biophysical properties (such as structural, functional, and spatial information, amino acid conservation, physicochemical variation, residue mobility, and thermodynamic stability) performed at Invitae indicates that this missense variant is not expected to disrupt STAMBP protein function with a negative predictive value of 80%. In summary, the available evidence is currently insufficient to determine the role of this variant in disease. Therefore, it has been classified as a Variant of Uncertain Significance.

NM_213622.4(STAMBP):c.87A>C (p.Glu29Asp)

Genes: STAMBP (STAM binding protein; plus strand), LOC126806253 (CDK7 strongly-dependent group 2 enhancer GRCh37_chr2:74057585-74058784; plus strand). Cytogenetic location: 2p13.1.
Variant type: single nucleotide variant.
Coding change: c.87A>C on transcript NM_213622.4 (MANE Select); coding-DNA position 87, A replaced by C.
Protein change: p.Glu29Asp; replaces glutamic acid 29 with aspartic acid.
Molecular consequence: missense variant. On other transcripts: 5 prime UTR variant (5), non-coding transcript variant (4), intron variant (1).
Genome position (GRCh38, 1-based): chr2:73,830,943, A>C. VCF-style: chr2-73830943-A-C. GRCh37 (hg19) VCF-style: chr2-74058070-A-C.
Other names: c.87A>C, p.Glu29Asp (NM_001353967.2, NM_001353968.2, NM_001353969.2 and 3 more transcripts); c.-467A>C (NM_001353971.2, NM_001353973.2, NM_001353974.2 and 2 more transcripts); c.-203+1947A>C (NM_001353972.2); short protein forms E29D.
Identifiers: ClinVar variation 1472454 (VCV001472454.5), dbSNP rs1673834256, ClinGen allele CA347303469.